The following is an entry in ClinVar:

ClinVar aggregate classification (germline): Pathogenic (1 of 4 stars; one submission).

Conditions:
Tremor, hereditary essential, 4 (ETM4). Identifiers: MedGen C3539195, MONDO:0013888, OMIM 614782.
Amyotrophic lateral sclerosis type 6. Also called: Amyotrophic lateral sclerosis 6, with or without frontotemporal dementia; AMYOTROPHIC LATERAL SCLEROSIS 6 WITHOUT FRONTOTEMPORAL DEMENTIA; FUS-Related Amyotrophic Laterial Sclerosis. Identifiers: Orphanet 275872, Orphanet 803, MedGen C2931786, MONDO:0011951, OMIM 608030.

Submission:

Labcorp Genetics (formerly Invitae), Labcorp
Classification: Pathogenic for Tremor, hereditary essential, 4; Amyotrophic lateral sclerosis type 6. Last evaluated: 2021-07-17. Review status: criteria provided, single submitter. Criteria: Invitae Variant Classification Sherloc (09022015). Collection method: clinical testing. Allele origin: germline.
Comment: This sequence change creates a premature translational stop signal (p.Gly501Trpfs*16) in the FUS gene. While this is not anticipated to result in nonsense mediated decay, it is expected to disrupt the last 26 amino acid(s) of the FUS protein. This variant is not present in population databases (ExAC no frequency). This variant has not been reported in the literature in individuals affected with FUS-related conditions. This variant disrupts a region of the FUS protein in which other variant(s) (p.Gln519Ilefs*9) have been determined to be pathogenic (PMID: 20668261, 26788680, 28429524). This suggests that this is a clinically significant region of the protein, and that variants that disrupt it are likely to be disease-causing. For these reasons, this variant has been classified as Pathogenic.

Literature cited by the submitters: PubMed 20668261; PubMed 26788680; PubMed 28429524.

NM_004960.4(FUS):c.1500dup (p.Gly501fs)

Gene: FUS (FUS RNA binding protein; plus strand). Cytogenetic location: 16p11.2.
Variant type: Duplication.
Coding change: c.1500dup on transcript NM_004960.4 (MANE Select); coding-DNA position 1500, one base duplicated (T; older notation c.1500dupT).
Protein change: p.Gly501fs; shifts the reading frame from glycine 501.
Molecular consequence: frameshift variant. On other transcripts: non-coding transcript variant (1).
Genome position (GRCh38, 1-based): chr16:31,191,069, T duplicated. VCF-style (leftmost placement, unchanged base first): chr16-31191068-G-GT. GRCh37 (hg19) VCF-style: chr16-31202389-G-GT.
Other names: c.1497dup, p.Gly500fs (NM_001170634.1); c.1488dup, p.Gly497fs (NM_001170937.1); short protein forms G500fs, G501fs, G497fs.
Identifiers: ClinVar variation 1423819 (VCV001423819.6), dbSNP rs2144140268, ClinGen allele CA2573152296.